The following is an entry in ClinVar:

NC_000019.10:g.45770205_45770264CAG[(41_59)]CGG[1]CAG[(200_300)]

Genes: DMPK (DM1 protein kinase; minus strand), DM1-AS (DM1 locus antisense RNA; plus strand), LOC107075317 (origin of replication in DMPK trinucleotide repeat region; plus strand), LOC109461477 (dystrophia myotonica protein kinase repeat instability region; plus strand), LOC129929040 (ATAC-STARR-seq lymphoblastoid silent region 10796; plus strand). Cytogenetic location: 19q13.32.
Variant type: Microsatellite.
Identifiers: ClinVar variation 523755 (VCV000523755.2).

ClinVar aggregate classification (germline): Pathogenic (0 of 4 stars; one submission).

Conditions:
Steinert myotonic dystrophy syndrome (DM1). Also called: STEINERT DISEASE; Myotonic dystrophy type 1; Dystrophia myotonica type 1; Steinert myotonic dystrophy; Steinert's disease. Identifiers: Orphanet 273, MedGen C3250443, MONDO:0008056, OMIM 160900.

Submission:

Institute of Molecular, Cell and Systems Biology, University of Glasgow
Classification: Pathogenic for Steinert myotonic dystrophy syndrome. Last evaluated: 2018-03-14. Review status: no assertion criteria provided. Collection method: research. Allele origin: de novo. Inheritance: Autosomal dominant inheritance. Affected: yes. Observed: 1 variant allele.
Comment: DMPK CTG repeat expansions greater than approximately 45-50 repeats are assumed to be pathogenic

Literature cited by the submitters: PubMed 29967337; PubMed 1346923; PubMed 1546326.